The following is an entry in ClinVar:

ClinVar aggregate classification (germline): Pathogenic. Review status: criteria provided, multiple submitters, no conflicts (2 of 4 stars). 4 submissions from 4 submitters: Pathogenic (4). Last evaluated 2023-10-26.

Conditions:
Retinal dystrophy. Also called: Inherited retinal dystrophy. Identifiers: Orphanet 71862, MedGen C0854723, MeSH D058499, MONDO:0019118, HP:0000556.
RP1-related disorder. Also called: RP1-related condition.
Retinitis pigmentosa 1 (RP1). Identifiers: Orphanet 791, MedGen C0220701, MONDO:0008377, OMIM 180100.

Allele frequency attached by ClinVar (database versions not stated): gnomAD exomes 0.00001; TOPMed 0.00001.
gnomAD v4.1: 3 of 1,614,028 alleles (0.00019%); highest among the groups gnomAD compares: East Asian, 0.0067%; no homozygotes.

Submissions (4):

Blueprint Genetics
Classification: Pathogenic for RP1-related disorders. Last evaluated: 2023-10-26. Review status: criteria provided, single submitter. Criteria: ACMG Guidelines, 2015. Collection method: clinical testing. Allele origin: germline. Affected: yes. Observed: 5 variant alleles.

Institute of Human Genetics, Univ. Regensburg, Univ. Regensburg
Classification: Pathogenic for Retinal dystrophy. Last evaluated: 2023-01-01. Review status: criteria provided, single submitter. Criteria: ACMG Guidelines, 2015. Collection method: clinical testing. Allele origin: germline. Affected: yes.

Labcorp Genetics (formerly Invitae), Labcorp
Classification: Pathogenic. Last evaluated: 2022-08-31. Review status: criteria provided, single submitter. Criteria: Invitae Variant Classification Sherloc (09022015). Collection method: clinical testing. Allele origin: germline.
Comment: For these reasons, this variant has been classified as Pathogenic. This sequence change creates a premature translational stop signal (p.Gln1602*) in the RP1 gene. While this is not anticipated to result in nonsense mediated decay, it is expected to disrupt the last 555 amino acid(s) of the RP1 protein. This variant is present in population databases (no rsID available, gnomAD 0.02%). This premature translational stop signal has been observed in individual(s) with autosomal recessive retinitis pigmentosa (PMID: 22917891, 30337596). In at least one individual the data is consistent with being in trans (on the opposite chromosome) from a pathogenic variant. It has also been observed to segregate with disease in related individuals. ClinVar contains an entry for this variant (Variation ID: 968419). This variant disrupts the C-terminus of the RP1 protein. Many variants that disrupt this region have been reported in individuals with either autosomal dominant or autosomal recessive retinitis pigmentosa (PMID: 11527933, 19933189, 29425069, 30027431, 33681214). Therefore, variants that disrupt this region are expected to be disease-causing.

Ocular Genomics Institute, Massachusetts Eye and Ear
Classification: Pathogenic for Retinitis pigmentosa 1. Last evaluated: 2021-04-08. Review status: criteria provided, single submitter. Criteria: ACMG Guidelines, 2015. Collection method: research. Allele origin: germline. Affected: yes.
Comment: Through a review of available evidence we were able to apply the following criteria: PVS1, PM2, PM1. Based on this evidence we have classified this variant as Pathogenic.

Literature cited by the submitters: PubMed 22917891 (cited by 3 submitters); PubMed 30337596 (cited by 3 submitters); PubMed 31964843 (cited by Institute of Human Genetics, Univ. Regensburg, Univ. Regensburg); PubMed 33090715 (cited by Institute of Human Genetics, Univ. Regensburg, Univ. Regensburg); PubMed 11527933 (cited by Labcorp Genetics (formerly Invitae), Labcorp and Ocular Genomics Institute, Massachusetts Eye and Ear); PubMed 19933189 (cited by Labcorp Genetics (formerly Invitae), Labcorp and Ocular Genomics Institute, Massachusetts Eye and Ear); PubMed 29425069 (cited by Labcorp Genetics (formerly Invitae), Labcorp and Ocular Genomics Institute, Massachusetts Eye and Ear); PubMed 30027431 (cited by Labcorp Genetics (formerly Invitae), Labcorp and Ocular Genomics Institute, Massachusetts Eye and Ear); PubMed 33681214 (cited by Labcorp Genetics (formerly Invitae), Labcorp).

NM_006269.2(RP1):c.4804C>T (p.Gln1602Ter)

Gene: RP1 (RP1 axonemal microtubule associated; plus strand). Cytogenetic location: 8q12.1.
Variant type: single nucleotide variant.
Coding change: c.4804C>T on transcript NM_006269.2 (MANE Select); coding-DNA position 4804, C replaced by T.
Protein change: p.Gln1602Ter; replaces glutamine 1602 with a stop codon.
Molecular consequence: nonsense. On other transcripts: intron variant (1).
Genome position (GRCh38, 1-based): chr8:54,628,686, C>T. VCF-style: chr8-54628686-C-T. GRCh37 (hg19) VCF-style: chr8-55541246-C-T.
Other names: c.787+6398C>T (NM_001375654.1); short protein forms Q1602*.
Identifiers: ClinVar variation 968419 (VCV000968419.11), dbSNP rs1359338583, ClinGen allele CA370983225.